The following is an entry in ClinVar:

ClinVar aggregate classification (germline): Likely pathogenic, low penetrance (1 of 4 stars; one submission).

Conditions:
Atypical hemolytic-uremic syndrome. Identifiers: Orphanet 2134, MedGen C2931788, MONDO:0016244.

Submission:

Genomenon, Inc
Classification: Likely pathogenic, low penetrance for Atypical hemolytic-uremic syndrome. Last evaluated: 2025-10-02. Review status: criteria provided, single submitter. Criteria: Genomenon Sequence Variant Interpretation Standards. Collection method: curation. Allele origin: germline. Affected: yes.
Comment: CD46 c.475+1G>A is a canonical splice variant located in the donor splice region in intron 4. This variant has been observed in at least one proband affected with atypical hemolytic-uremic syndrome (PMID:37477760). At least one splicing study identified that this variant results in aberrant splicing (PMID:37477760;25381125). At least one functional study has demonstrated a substantial alteration in protein function relative to the wild-type (PMID:37477760). It is absent or not present at a significant frequency in gnomAD. In conclusion, we classify CD46 c.475+1G>A as a likely pathogenic variant.

Literature cited by the submitters: PubMed 37477760; PubMed 25381125.

NM_172351.3(CD46):c.475+1G>A

Gene: CD46 (CD46 molecule; plus strand). Cytogenetic location: 1q32.2.
Variant type: single nucleotide variant.
Coding change: c.475+1G>A on transcript NM_172351.3 (MANE Select); the canonical splice donor site of the intron after coding-DNA position 475, G replaced by A.
Molecular consequence: splice donor variant.
Genome position (GRCh38, 1-based): chr1:207,759,725, G>A. VCF-style: chr1-207759725-G-A. GRCh37 (hg19) VCF-style: chr1-207933070-G-A.
Other names: c.475+1G>A (NM_002389.4, NM_172359.3, NM_153826.4 and 8 more transcripts).
Identifiers: ClinVar variation 4291208 (VCV004291208.1).